The following is an entry in ClinVar:

NM_001134831.2(AHI1):c.443A>C (p.Asn148Thr)

Gene: AHI1 (Abelson helper integration site 1; minus strand). Cytogenetic location: 6q23.3.
Variant type: single nucleotide variant.
Coding change: c.443A>C on transcript NM_001134831.2 (MANE Select); coding-DNA position 443, A replaced by C.
Protein change: p.Asn148Thr; replaces asparagine 148 with threonine.
Molecular consequence: missense variant.
Genome position (GRCh38, 1-based): chr6:135,466,120, T>G on the plus strand (A>C on the coding strand, the complement: AHI1 is on the minus strand). VCF-style: chr6-135466120-T-G. GRCh37 (hg19) VCF-style: chr6-135787258-T-G.
Other names: c.443A>C, p.Asn148Thr (NM_001134830.2, NM_001134832.2, NM_001350503.2 and 2 more transcripts); short protein forms N148T.
Identifiers: ClinVar variation 1445939 (VCV001445939.6), dbSNP rs2128098381, ClinGen allele CA365751659.

ClinVar aggregate classification (germline): Uncertain significance (1 of 4 stars; one submission).

Conditions:
Joubert syndrome. Also called: CEREBELLOPARENCHYMAL DISORDER IV; JOUBERT-BOLTSHAUSER SYNDROME; Familial aplasia of the vermis. Identifiers: Orphanet 475, MedGen C5979921, MONDO:0018772.

Submission:

Labcorp Genetics (formerly Invitae), Labcorp
Classification: Uncertain significance for Joubert syndrome. Last evaluated: 2022-08-16. Review status: criteria provided, single submitter. Criteria: Invitae Variant Classification Sherloc (09022015). Collection method: clinical testing. Allele origin: germline.
Comment: Advanced modeling of protein sequence and biophysical properties (such as structural, functional, and spatial information, amino acid conservation, physicochemical variation, residue mobility, and thermodynamic stability) performed at Invitae indicates that this missense variant is not expected to disrupt AHI1 protein function. This sequence change replaces asparagine, which is neutral and polar, with threonine, which is neutral and polar, at codon 148 of the AHI1 protein (p.Asn148Thr). This variant is not present in population databases (gnomAD no frequency). This variant has not been reported in the literature in individuals affected with AHI1-related conditions. ClinVar contains an entry for this variant (Variation ID: 1445939). In summary, the available evidence is currently insufficient to determine the role of this variant in disease. Therefore, it has been classified as a Variant of Uncertain Significance.